The following is an entry in ClinVar:

ClinVar aggregate classification (germline): Likely benign (1 of 4 stars; one submission).

Submission:

GeneDx
Classification: Likely benign. Last evaluated: 2021-05-16. Review status: criteria provided, single submitter. Criteria: GeneDx Variant Classification Process June 2021. Collection method: clinical testing. Allele origin: germline. Affected: yes.
Comment: See Variant Classification Assertion Criteria.

NM_023036.6(DNAI2):c.1212-193C>A

Gene: DNAI2 (dynein axonemal intermediate chain 2; plus strand). Cytogenetic location: 17q25.1.
Variant type: single nucleotide variant.
Coding change: c.1212-193C>A on transcript NM_023036.6 (MANE Select); 193 bases into the intron before coding-DNA position 1212, C replaced by A.
Molecular consequence: intron variant.
Genome position (GRCh38, 1-based): chr17:74,309,060, C>A. VCF-style: chr17-74309060-C-A. GRCh37 (hg19) VCF-style: chr17-72305199-C-A.
Other names: c.1212-193C>A (NM_001353167.2, NM_001172810.3).
Identifiers: ClinVar variation 1707156 (VCV001707156.2), dbSNP rs1306530339, ClinGen allele CA627591004.